The following is an entry in ClinVar:

ClinVar aggregate classification (germline): Uncertain significance (1 of 4 stars; one submission).

Conditions:
Hereditary cancer-predisposing syndrome. Also called: Hereditary Cancer Syndrome; Neoplastic Syndromes, Hereditary; Tumor predisposition; Hereditary neoplastic syndrome. Identifiers: Orphanet 140162, MedGen C0027672, MeSH D009386, MONDO:0015356.

Submission:

Ambry Genetics
Classification: Uncertain significance for Hereditary cancer-predisposing syndrome. Last evaluated: 2020-03-11. Review status: criteria provided, single submitter. Criteria: Ambry Variant Classification Scheme 2023. Collection method: clinical testing. Allele origin: germline.
Comment: The p.F396L variant (also known as c.1188T>G), located in coding exon 8 of the RAD50 gene, results from a T to G substitution at nucleotide position 1188. The phenylalanine at codon 396 is replaced by leucine, an amino acid with highly similar properties. This amino acid position is highly conserved in available vertebrate species. In addition, this alteration is predicted to be tolerated by in silico analysis. Since supporting evidence is limited at this time, the clinical significance of this alteration remains unclear.

NM_005732.4(RAD50):c.1188T>G (p.Phe396Leu)

Gene: RAD50 (RAD50 double strand break repair protein; plus strand). Cytogenetic location: 5q31.1.
Variant type: single nucleotide variant.
Coding change: c.1188T>G on transcript NM_005732.4 (MANE Select); coding-DNA position 1188, T replaced by G.
Protein change: p.Phe396Leu; replaces phenylalanine 396 with leucine.
Molecular consequence: missense variant.
Genome position (GRCh38, 1-based): chr5:132,588,823, T>G. VCF-style: chr5-132588823-T-G. GRCh37 (hg19) VCF-style: chr5-131924515-T-G.
Other names: short protein forms F396L.
Identifiers: ClinVar variation 1744182 (VCV001744182.2), dbSNP rs2479634827, ClinGen allele CA360942852.